The following is an entry in ClinVar:

NM_001267550.2(TTN):c.90522A>G (p.Glu30174=)

Genes: TTN (titin; minus strand), TTN-AS1 (TTN antisense RNA 1; plus strand). Cytogenetic location: 2q31.2.
Variant type: single nucleotide variant.
Coding change: c.90522A>G on transcript NM_001267550.2 (MANE Select); coding-DNA position 90522, A replaced by G.
Protein change: p.Glu30174=; no amino-acid change (glutamic acid 30174 retained).
Molecular consequence: synonymous variant.
Genome position (GRCh38, 1-based): chr2:178,552,378, T>C on the plus strand (A>G on the coding strand, the complement: TTN is on the minus strand). VCF-style: chr2-178552378-T-C. GRCh37 (hg19) VCF-style: chr2-179417105-T-C.
Other names: c.85599A>G, p.Glu28533= (NM_001256850.1); c.63327A>G, p.Glu21109= (NM_003319.4); c.82818A>G, p.Glu27606= (NM_133378.4); c.63702A>G, p.Glu21234= (NM_133432.3); c.63903A>G, p.Glu21301= (NM_133437.4).
Identifiers: ClinVar variation 191857 (VCV000191857.1), dbSNP rs786205321, ClinGen allele CA237716.

ClinVar aggregate classification (germline): Uncertain significance (1 of 4 stars; one submission).

Submission:

Biesecker Lab/Clinical Genomics Section, National Institutes of Health
Classification: Uncertain significance. Last evaluated: 2013-06-24. Review status: criteria provided, single submitter. Criteria: Ng et al. (Circ Cardiovasc Genet. 2013). Collection method: research. Allele origin: unknown. Observed: 1 variant allele. Study: ClinSeq.
Comment: The study set was not selected for affection status in relation to any cancer. Pathogenicity categories were based on literature curation. See Pubmed ID:23861362 for details.

Medical sequencing